The following is an entry in ClinVar:

ClinVar aggregate classification (germline): Likely pathogenic (1 of 4 stars; one submission).

Conditions:
TG-related disorder. Also called: TG-related condition; TG-related disorders.

Submission:

Women's Health and Genetics/Laboratory Corporation of America, LabCorp
Classification: Likely pathogenic for TG-Related Disorders. Last evaluated: 2025-06-13. Review status: criteria provided, single submitter. Criteria: LabCorp Variant Classification Summary - May 2015. Collection method: clinical testing. Allele origin: germline.
Comment: Variant summary: The variant involves the duplication of exons 6-11 in the TG gene. It is assumed to be a tandem duplication in direct orientation (PMIDs: 25640679, 30054569). This Copy Number Variant (CNV) is expected to alter the reading frame and predicted to result in a truncation or absence of the encoded protein due to nonsense mediated decay (NMD). A presumed nomenclature of c.(638+1_639-1)_(3001+1_3002-1)dup has been designated for the purposes of this classification. The variant was absent in 126082 control chromosomes. To our knowledge, no occurrence of c.(638+1_639-1)_(3001+1_3002-1)dup in individuals affected with TG-Related Disorders and no experimental evidence demonstrating its impact on protein function have been reported. No submitters have cited clinical-significance assessments for this variant to ClinVar. Based on the evidence outlined above, the variant was classified as likely pathogenic.

NC_000008.10:g.(133885467_133894107)_(133906175_133909893)dup

Gene: TG (thyroglobulin; plus strand). Cytogenetic location: 8q24.22.
Variant type: Duplication.
Identifiers: ClinVar variation 3907144 (VCV003907144.1).